The following is an entry in ClinVar:

NM_003728.4(UNC5C):c.801G>A (p.Thr267=)

Gene: UNC5C (unc-5 netrin receptor C; minus strand). Cytogenetic location: 4q22.3.
Variant type: single nucleotide variant.
Coding change: c.801G>A on transcript NM_003728.4 (MANE Select); coding-DNA position 801, G replaced by A.
Protein change: p.Thr267=; no amino-acid change (threonine 267 retained).
Molecular consequence: synonymous variant.
Genome position (GRCh38, 1-based): chr4:95,245,119, C>T on the plus strand (G>A on the coding strand, the complement: UNC5C is on the minus strand). VCF-style: chr4-95245119-C-T. GRCh37 (hg19) VCF-style: chr4-96166270-C-T.
Identifiers: ClinVar variation 3056877 (VCV003056877.2), dbSNP rs35120448, ClinGen allele CA3015852.

ClinVar aggregate classification (germline): Benign (0 of 4 stars; one submission).

Conditions:
UNC5C-related disorder. Also called: UNC5C-related condition.

Allele frequency attached by ClinVar (database versions not stated): 1000 Genomes Project 0.02316; 1000 Genomes Project 30x 0.02342; gnomAD 0.03768; ExAC 0.03800; TOPMed 0.03978; ESP Exome Variant Server 0.04160; gnomAD exomes 0.05007.
gnomAD v4.1: 78,616 of 1,612,702 alleles (4.9%); highest among the groups gnomAD compares: Non-Finnish European, 5.6%; 2,095 homozygotes.

Submission:

PreventionGenetics, part of Exact Sciences
Classification: Benign for UNC5C-related condition. Last evaluated: 2019-02-27. Review status: no assertion criteria provided. Collection method: clinical testing. Allele origin: germline.
Comment: This variant is classified as benign based on ACMG/AMP sequence variant interpretation guidelines (Richards et al. 2015 PMID: 25741868, with internal and published modifications).